The following is an entry in ClinVar:

NM_000093.5(COL5A1):c.4184del (p.Pro1395fs)

Gene: COL5A1 (collagen type V alpha 1 chain; plus strand). Cytogenetic location: 9q34.3.
Variant type: Deletion.
Coding change: c.4184del on transcript NM_000093.5 (MANE Select); coding-DNA position 4184, one base deleted (C; older notation c.4184delC).
Protein change: p.Pro1395fs; shifts the reading frame from proline 1395.
Molecular consequence: frameshift variant.
Genome position (GRCh38, 1-based): chr9:134,817,785, C deleted; the last of 5 consecutive C bases (chr9:134,817,781-134,817,785); deleting any one gives the same sequence. VCF-style (leftmost placement, unchanged base first): chr9-134817780-TC-T. GRCh37 (hg19) VCF-style: chr9-137709626-TC-T.
Other names: c.4184del, p.Pro1395fs (NM_001278074.1); c.4184delC (NM_000093.4); short protein forms P1395fs.
Identifiers: ClinVar variation 197959 (VCV000197959.7), dbSNP rs794727760, ClinGen allele CA281495.

ClinVar aggregate classification (germline): Pathogenic. Review status: criteria provided, single submitter (1 of 4 stars). 2 submissions from 2 submitters: Pathogenic (1). 1 of the submissions does not count toward it. Last evaluated 2015-02-17.

Conditions:
COL5A1-related disorder. Also called: COL5A1-related condition.

Submissions (2):

Eurofins Ntd Llc (ga)
Classification: Pathogenic. Last evaluated: 2015-02-17. Review status: criteria provided, single submitter. Criteria: EGL Classification Definitions 2015. Collection method: clinical testing. Allele origin: germline. Observed: 1 variant allele, 1 heterozygote.

PreventionGenetics, part of Exact Sciences
Classification: Likely pathogenic for COL5A1-related condition. Last evaluated: 2024-08-27. Review status: no assertion criteria provided. Collection method: clinical testing. Allele origin: germline. Not counted in ClinVar's aggregate classification.
Comment: The COL5A1 c.4184delC variant is predicted to result in a frameshift and premature protein termination (p.Pro1395Glnfs*93). To our knowledge, this variant has not been reported in the literature or in a large population database, indicating this variant is rare. Frameshift variants in COL5A1 are expected to be pathogenic. This variant is interpreted as likely pathogenic.